The following is an entry in ClinVar:

ClinVar aggregate classification (germline): Uncertain significance (1 of 4 stars; one submission).

Conditions:
Acrocallosal syndrome (ACLS). Also called: HALLUX DUPLICATION, POSTAXIAL POLYDACTYLY, AND ABSENCE OF CORPUS CALLOSUM; Schinzel syndrome 1; Absence of corpus callosum with unusual facial appearance, mental deficiency, duplication of the halluces and polydactyly. Identifiers: Orphanet 36, MedGen C0796147, MONDO:0008708, OMIM 200990.

Allele frequency attached by ClinVar (database versions not stated): gnomAD 0.00002 and 0.00003; gnomAD exomes 0.00001 and 0.00002; ExAC 0.00001; TOPMed 0.00005.
gnomAD v4.1: 29 of 1,613,154 alleles (0.0018%); highest among the groups gnomAD compares: Non-Finnish European, 0.0024%; no homozygotes.

Submission:

Labcorp Genetics (formerly Invitae), Labcorp
Classification: Uncertain significance for Acrocallosal syndrome. Last evaluated: 2022-02-05. Review status: criteria provided, single submitter. Criteria: Invitae Variant Classification Sherloc (09022015). Collection method: clinical testing. Allele origin: germline.
Comment: This sequence change replaces arginine, which is basic and polar, with cysteine, which is neutral and slightly polar, at codon 640 of the KIF7 protein (p.Arg640Cys). This variant is present in population databases (rs553948489, gnomAD 0.002%). This variant has not been reported in the literature in individuals affected with KIF7-related conditions. ClinVar contains an entry for this variant (Variation ID: 655376). Algorithms developed to predict the effect of missense changes on protein structure and function output the following: SIFT: "Deleterious"; PolyPhen-2: "Benign"; Align-GVGD: "Class C0". The cysteine amino acid residue is found in multiple mammalian species, which suggests that this missense change does not adversely affect protein function. In summary, the available evidence is currently insufficient to determine the role of this variant in disease. Therefore, it has been classified as a Variant of Uncertain Significance.

NM_198525.3(KIF7):c.1918C>T (p.Arg640Cys)

Gene: KIF7 (kinesin family member 7; minus strand). Cytogenetic location: 15q26.1.
Variant type: single nucleotide variant.
Coding change: c.1918C>T on transcript NM_198525.3 (MANE Select); coding-DNA position 1918, C replaced by T.
Protein change: p.Arg640Cys; replaces arginine 640 with cysteine.
Molecular consequence: missense variant.
Genome position (GRCh38, 1-based): chr15:89,645,897, G>A on the plus strand (C>T on the coding strand, the complement: KIF7 is on the minus strand). VCF-style: chr15-89645897-G-A. GRCh37 (hg19) VCF-style: chr15-90189128-G-A.
Other names: short protein forms R640C.
Identifiers: ClinVar variation 655376 (VCV000655376.8), dbSNP rs553948489, ClinGen allele CA7728414.
Genomic context (GRCh38, chr15:89,645,897, plus strand): 5'-CTAGCCCTGGGCCCTGAGCAGGTCCTTGTCAGGTGGGGGCAGTGGGTCCCACTCACCTGC[G>A]CAGGTGTAAGGTCCGCCTGGGCGGCTCCTCCTCCTCCTCTTCCTCCTCTGAAGCAGCTGA-3'
Protein context (NP_940927.2, residues 630-650): EEPPRRTLHL[Arg640Cys]RNRISNCSQR